The following is an entry in ClinVar:

NM_000548.5(TSC2):c.5260A>G (p.Ile1754Val)

Gene: TSC2 (TSC complex subunit 2; plus strand). Cytogenetic location: 16p13.3.
Variant type: single nucleotide variant.
Coding change: c.5260A>G on transcript NM_000548.5 (MANE Select); coding-DNA position 5260, A replaced by G.
Protein change: p.Ile1754Val; replaces isoleucine 1754 with valine.
Molecular consequence: missense variant.
Genome position (GRCh38, 1-based): chr16:2,088,446, A>G. VCF-style: chr16-2088446-A-G. GRCh37 (hg19) VCF-style: chr16-2138447-A-G.
Other names: c.5059A>G, p.Ile1687Val (NM_001077183.3); c.5191A>G, p.Ile1731Val (NM_001114382.3); c.4951A>G, p.Ile1651Val (NM_001318827.2); c.4915A>G, p.Ile1639Val (NM_001318829.2); c.4528A>G, p.Ile1510Val (NM_001318831.2); c.5092A>G, p.Ile1698Val (NM_001318832.2); c.5062A>G, p.Ile1688Val (NM_001363528.2); c.5128A>G, p.Ile1710Val (NM_001370404.1); and 3 more; short protein forms I1698V, I1639V, I1687V, I1688V, I1731V, I1710V, I1711V, I1754V.
Identifiers: ClinVar variation 1356594 (VCV001356594.9), dbSNP rs2151637498, ClinGen allele CA394315009.

ClinVar aggregate classification (germline): Uncertain significance. Review status: criteria provided, multiple submitters, no conflicts (2 of 4 stars). 2 submissions from 2 submitters: Uncertain significance (2). Last evaluated 2026-02-03.

Conditions:
Tuberous sclerosis 2 (TSC2). Identifiers: Orphanet 805, MedGen C1860707, MONDO:0013199, OMIM 613254.
Hereditary cancer-predisposing syndrome. Also called: Hereditary neoplastic syndrome; Tumor predisposition; Neoplastic Syndromes, Hereditary; Hereditary Cancer Syndrome. Identifiers: Orphanet 140162, MedGen C0027672, MeSH D009386, MONDO:0015356.

Submissions (2):

Ambry Genetics
Classification: Uncertain significance for Hereditary cancer-predisposing syndrome. Last evaluated: 2026-02-03. Review status: criteria provided, single submitter. Criteria: Ambry Variant Classification Scheme 2023. Collection method: clinical testing. Allele origin: germline.
Comment: The p.I1754V variant (also known as c.5260A>G), located in coding exon 41 of the TSC2 gene, results from a A to G substitution at nucleotide position 5260. This variant impacts the first base pair of coding exon 41. The isoleucine at codon 1754 is replaced by valine, an amino acid with highly similar properties. This amino acid position is not well conserved in available vertebrate species. In addition, the in silico prediction for this alteration is inconclusive. Based on the available evidence, the clinical significance of this variant remains unclear.

Labcorp Genetics (formerly Invitae), Labcorp
Classification: Uncertain significance for Tuberous sclerosis 2. Last evaluated: 2021-05-27. Review status: criteria provided, single submitter. Criteria: Invitae Variant Classification Sherloc (09022015). Collection method: clinical testing. Allele origin: germline.
Comment: In summary, the available evidence is currently insufficient to determine the role of this variant in disease. Therefore, it has been classified as a Variant of Uncertain Significance. Algorithms developed to predict the effect of sequence changes on RNA splicing suggest that this variant may create or strengthen a splice site, but this prediction has not been confirmed by published transcriptional studies. Algorithms developed to predict the effect of missense changes on protein structure and function output the following: SIFT: "Tolerated"; PolyPhen-2: "Benign"; Align-GVGD: "Class C0". The valine amino acid residue is found in multiple mammalian species, suggesting that this missense change does not adversely affect protein function. These predictions have not been confirmed by published functional studies and their clinical significance is uncertain. This variant has not been reported in the literature in individuals with TSC2-related conditions. This variant is not present in population databases (ExAC no frequency). This sequence change replaces isoleucine with valine at codon 1754 of the TSC2 protein (p.Ile1754Val). The isoleucine residue is moderately conserved and there is a small physicochemical difference between isoleucine and valine.